The following is an entry in ClinVar:

NM_001465.6(FYB1):c.1280C>T (p.Pro427Leu)

Gene: FYB1 (FYN binding protein 1; minus strand). Cytogenetic location: 5p13.1.
Variant type: single nucleotide variant.
Coding change: c.1280C>T on transcript NM_001465.6 (MANE Select); coding-DNA position 1280, C replaced by T.
Protein change: p.Pro427Leu; replaces proline 427 with leucine.
Molecular consequence: missense variant.
Genome position (GRCh38, 1-based): chr5:39,153,460, G>A on the plus strand (C>T on the coding strand, the complement: FYB1 is on the minus strand). VCF-style: chr5-39153460-G-A. GRCh37 (hg19) VCF-style: chr5-39153562-G-A.
Other names: p.Pro427Leu; c.1310C>T, p.Pro437Leu (NM_001243093.2, NM_018594.2); c.1280C>T, p.Pro427Leu (NM_001349333.2, NM_199335.5); short protein forms P427L, P437L.
Identifiers: ClinVar variation 3038317 (VCV003038317.5), dbSNP rs199876614, ClinGen allele CA3246292.

ClinVar aggregate classification (germline): Likely benign. Review status: criteria provided, multiple submitters, no conflicts (2 of 4 stars). 3 submissions from 3 submitters: Likely benign (2). 1 of the submissions does not count toward it. Last evaluated 2025-10-15.

Conditions:
FYB1-related disorder. Also called: FYB1-related condition.

Allele frequency attached by ClinVar (database versions not stated): 1000 Genomes Project 0.00120; 1000 Genomes Project 30x 0.00125; ExAC 0.00154; gnomAD 0.00173; TOPMed 0.00181; ESP Exome Variant Server 0.00211.
gnomAD v4.1: 4,193 of 1,613,798 alleles (0.26%); highest among the groups gnomAD compares: Non-Finnish European, 0.33%; 9 homozygotes.

Submissions (3):

Mayo Clinic Laboratories, Mayo Clinic
Classification: Likely benign. Last evaluated: 2025-10-15. Review status: criteria provided, single submitter. Criteria: ACMG Guidelines, 2015. Collection method: clinical testing. Allele origin: germline. Observed: 6 variant alleles.
Comment: BS1_supporting, BS2, BP4

Blueprint Genetics
Classification: Likely benign. Last evaluated: 2024-10-14. Review status: criteria provided, single submitter. Criteria: ACMG Guidelines, 2015. Collection method: clinical testing. Allele origin: germline.

PreventionGenetics, part of Exact Sciences
Classification: Likely benign for FYB1-related condition. Last evaluated: 2022-02-25. Review status: no assertion criteria provided. Collection method: clinical testing. Allele origin: germline. Not counted in ClinVar's aggregate classification.
Comment: This variant is classified as likely benign based on ACMG/AMP sequence variant interpretation guidelines (Richards et al. 2015 PMID: 25741868, with internal and published modifications).

Literature cited by the submitters: PubMed 28748566 (cited by Mayo Clinic Laboratories, Mayo Clinic).